The following is an entry in ClinVar:

ClinVar aggregate classification (germline): Likely pathogenic (1 of 4 stars; one submission).

Conditions:
Autosomal recessive Alport syndrome (ATS2). Also called: COL4A3-Related Nephropathy; COL4A4 Alport Syndrome and Thin Basement Membrane Nephropathy; ALPORT SYNDROME 2, AUTOSOMAL RECESSIVE; Alport syndrome type 2. Identifiers: Orphanet 63, Orphanet 88919, MedGen C4746745, MONDO:0008762, OMIM 203780.

Submission:

Myriad Genetics, Inc.
Classification: Likely pathogenic for Autosomal recessive Alport syndrome. Last evaluated: 2022-02-24. Review status: criteria provided, single submitter. Criteria: Myriad Women's Health Autosomal Recessive and X-Linked Classification Criteria (2021). Collection method: clinical testing. Allele origin: unknown.
Comment: NM_000091.4(COL4A3):c.2830_2831delCCinsG(P944Vfs*7) is expected to be pathogenic in the context of COL4A3-related Alport syndrome. This variant is predicted to lead to an abnormal or absent protein product due to the creation of a premature termination codon in COL4A3, a gene where loss-of-function variants are known to be pathogenic. Please note: this variant was assessed in the context of healthy population screening.

NM_000091.5(COL4A3):c.2830_2831delinsG (p.Pro944fs)

Genes: COL4A3 (collagen type IV alpha 3 chain; plus strand), MFF-DT (MFF divergent transcript; minus strand). Cytogenetic location: 2q36.3.
Variant type: Indel.
Coding change: c.2830_2831delinsG on transcript NM_000091.5 (MANE Select); coding-DNA positions 2830 to 2831, CC replaced by G.
Protein change: p.Pro944fs; shifts the reading frame from proline 944.
Molecular consequence: frameshift variant.
Genome position (GRCh38, 1-based): chr2:227,284,294-227,284,295, CC replaced by G. VCF-style: chr2-227284294-CC-G. GRCh37 (hg19) VCF-style: chr2-228149010-CC-G.
Other names: short protein forms P944fs.
Identifiers: ClinVar variation 1724649 (VCV001724649.2), dbSNP rs2469784298, ClinGen allele CA2580065921.